The following is an entry in ClinVar:

NM_020184.4(CNNM4):c.112C>A (p.Gln38Lys)

Gene: CNNM4 (cyclin and CBS domain divalent metal cation transport mediator 4; plus strand). Cytogenetic location: 2q11.2.
Variant type: single nucleotide variant.
Coding change: c.112C>A on transcript NM_020184.4 (MANE Select); coding-DNA position 112, C replaced by A.
Protein change: p.Gln38Lys; replaces glutamine 38 with lysine.
Molecular consequence: missense variant.
Genome position (GRCh38, 1-based): chr2:96,761,111, C>A. VCF-style: chr2-96761111-C-A. GRCh37 (hg19) VCF-style: chr2-97426848-C-A.
Other names: c.112C>A (NM_020184.3); short protein forms Q38K.
Identifiers: ClinVar variation 1416698 (VCV001416698.7), dbSNP rs1291619309, ClinGen allele CA347710855.

ClinVar aggregate classification (germline): Uncertain significance. Review status: criteria provided, multiple submitters, no conflicts (2 of 4 stars). 2 submissions from 2 submitters: Uncertain significance (2). Last evaluated 2025-05-13.

Conditions:
Inborn genetic diseases. Identifiers: MedGen C0950123, MeSH D030342.

Allele frequency attached by ClinVar (database versions not stated): TOPMed below 0.00001; gnomAD 0.00001.
gnomAD v4.1: 18 of 1,561,082 alleles (0.0012%); highest among the groups gnomAD compares: Non-Finnish European, 0.0014%; no homozygotes.

Submissions (2):

Ambry Genetics
Classification: Uncertain significance for Inborn genetic diseases. Last evaluated: 2025-05-13. Review status: criteria provided, single submitter. Criteria: Ambry Variant Classification Scheme 2023. Collection method: clinical testing. Allele origin: germline.

Labcorp Genetics (formerly Invitae), Labcorp
Classification: Uncertain significance. Last evaluated: 2023-10-23. Review status: criteria provided, single submitter. Criteria: Invitae Variant Classification Sherloc (09022015). Collection method: clinical testing. Allele origin: germline.
Comment: This sequence change replaces glutamine, which is neutral and polar, with lysine, which is basic and polar, at codon 38 of the CNNM4 protein (p.Gln38Lys). This variant is present in population databases (no rsID available, gnomAD 0.007%). This variant has not been reported in the literature in individuals affected with CNNM4-related conditions. ClinVar contains an entry for this variant (Variation ID: 1416698). Advanced modeling of protein sequence and biophysical properties (such as structural, functional, and spatial information, amino acid conservation, physicochemical variation, residue mobility, and thermodynamic stability) performed at Invitae indicates that this missense variant is not expected to disrupt CNNM4 protein function with a negative predictive value of 80%. In summary, the available evidence is currently insufficient to determine the role of this variant in disease. Therefore, it has been classified as a Variant of Uncertain Significance.